The following is an entry in ClinVar:

ClinVar aggregate classification (germline): Benign. Review status: criteria provided, multiple submitters, no conflicts (2 of 4 stars). 17 submissions from 16 submitters: Benign (13). 4 of the submissions do not count toward it. Last evaluated 2026-09-21.

Conditions:
Becker muscular dystrophy (BMD). Also called: MUSCULAR DYSTROPHY, PSEUDOHYPERTROPHIC PROGRESSIVE, BECKER TYPE; Becker Muscular Dystrophy (BMD). Identifiers: Orphanet 98895, MedGen C0917713, MONDO:0010311, OMIM 300376.
Cardiomyopathy (CMYO). Also called: Cardiomyopathies. Identifiers: Orphanet 167848, MedGen C0878544, MONDO:0004994, HP:0001638. Inheritance: Various modes of inheritance.
Dystrophin deficiency.
Duchenne muscular dystrophy (DMD). Also called: MUSCULAR DYSTROPHY, PSEUDOHYPERTROPHIC PROGRESSIVE, DUCHENNE TYPE; Duchenne Muscular Dystrophy (DMD). Identifiers: Orphanet 98896, MedGen C0013264, MONDO:0010679, OMIM 310200.
Dilated cardiomyopathy 3B (CMD3B). Also called: CMD3B: DMD-Related Dilated Cardiomyopathy; CARDIOMYOPATHY, DILATED, X-LINKED; DMD-Associated Dilated Cardiomyopathy. Identifiers: Orphanet 154, MedGen C3668940, MONDO:0010542, OMIM 302045.

Allele frequency attached by ClinVar (database versions not stated): 1000 Genomes Project 0.80397; TOPMed 0.83861; gnomAD 0.84201; gnomAD exomes 0.86689; ExAC 0.88360; 1000 Genomes Project 30x 0.81041; ESP Exome Variant Server 0.82647.

Submissions (17):

Molecular Diagnostic Laboratory for Inherited Cardiovascular Disease, Montreal Heart Institute
Classification: Benign. Last evaluated: 2026-09-21. Review status: criteria provided, single submitter. Criteria: ACMG Guidelines, 2015. Collection method: clinical testing. Allele origin: germline. Affected: no.
Comment: BA1

Labcorp Genetics (formerly Invitae), Labcorp
Classification: Benign for Duchenne muscular dystrophy. Last evaluated: 2026-02-04. Review status: criteria provided, single submitter. Criteria: Invitae Variant Classification Sherloc (09022015). Collection method: clinical testing. Allele origin: germline.

ARUP Laboratories, Molecular Genetics and Genomics, ARUP Laboratories
Classification: Benign. Last evaluated: 2025-07-28. Review status: criteria provided, single submitter. Criteria: ARUP Molecular Germline Variant Investigation Process 2024. Collection method: clinical testing. Allele origin: germline.

Blueprint Genetics
Classification: Benign. Last evaluated: 2024-11-28. Review status: criteria provided, single submitter. Criteria: ACMG Guidelines, 2015. Collection method: clinical testing. Allele origin: germline.

Genome-Nilou Lab
Classification: Benign for Dilated cardiomyopathy 3B. Last evaluated: 2021-07-30. Review status: criteria provided, single submitter. Criteria: ACMG Guidelines, 2015. Collection method: clinical testing. Allele origin: germline. Affected: no.

Genome-Nilou Lab
Classification: Benign for Duchenne muscular dystrophy. Last evaluated: 2021-07-30. Review status: criteria provided, single submitter. Criteria: ACMG Guidelines, 2015. Collection method: clinical testing. Allele origin: germline. Affected: no.

Women's Health and Genetics/Laboratory Corporation of America, LabCorp
Classification: Benign. Last evaluated: 2018-07-12. Review status: criteria provided, single submitter. Criteria: LabCorp Variant Classification Summary - May 2015. Collection method: clinical testing. Allele origin: germline.
Comment: Variant summary: DMD c.9649+15T>C alters a non-conserved nucleotide located close to a canonical splice site and therefore could affect mRNA splicing, leading to a significantly altered protein sequence. 5/5 computational tools predict no significant impact on normal splicing. However, these predictions have yet to be confirmed by functional studies. The variant allele was found at a frequency of 0.88 in 74144 control chromosomes, suggesting that it is the major allele and therefore benign. The observed variant frequency is approximately 79.032 fold of the estimated maximal expected allele frequency for a pathogenic variant in DMD causing Dystrophiopathies phenotype (0.011), strongly suggesting that the variant is benign. To our knowledge, no occurrence of c.9649+15T>C in individuals affected with Dystrophiopathies and no experimental evidence demonstrating its impact on protein function have been reported. Three clinical diagnostic laboratories have submitted clinical-significance assessments for this variant to ClinVar after 2014 without evidence for independent evaluation. All laboratories classified the variant as benign/likely benign. Based on the evidence outlined above, the variant was classified as benign.

Illumina Laboratory Services, Illumina
Classification: Benign for Dilated cardiomyopathy 3B. Last evaluated: 2018-01-13. Review status: criteria provided, single submitter. Criteria: ICSL Variant Classification Criteria 13 December 2019. Collection method: clinical testing. Allele origin: germline.
Comment: This variant was observed in the ICSL laboratory as part of a predisposition screen in an ostensibly healthy population. It had not been previously curated by ICSL or reported in the Human Gene Mutation Database (HGMD: prior to June 1st, 2018), and was therefore a candidate for classification through an automated scoring system. Utilizing variant allele frequency, disease prevalence and penetrance estimates, and inheritance mode, an automated score was calculated to assess if this variant is too frequent to cause the disease. Based on the score and internal cut-off values, a variant classified as benign is not then subjected to further curation. The score for this variant resulted in a classification of benign for this disease.

Eurofins Ntd Llc (ga)
Classification: Benign. Last evaluated: 2016-02-02. Review status: criteria provided, single submitter. Criteria: EGL Classification Definitions 2015. Collection method: clinical testing. Allele origin: germline. Observed: 694 variant alleles, 60 heterozygotes, 248 homozygotes, 387 hemizygotes.

Laboratory for Molecular Medicine, Mass General Brigham Personalized Medicine
Classification: Benign. Last evaluated: 2015-01-13. Review status: criteria provided, single submitter. Criteria: LMM Criteria. Collection method: clinical testing. Allele origin: germline. Observed: 523 variant alleles.
Comment: c.9649+15T>C in intron 66 of DMD: This variant is not expected to have clinical significance because it is not located within the conserved splice consensus seq uence. It has been identified in 26.6% (1020/3830) of African American chromosom es from a broad population by the NHLBI Exome Sequencing Project (.; dbSNP rs2293668).

GeneDx
Classification: Benign. Last evaluated: 2014-01-08. Review status: criteria provided, single submitter. Criteria: GeneDx Variant Classification (06012015). Collection method: clinical testing. Allele origin: germline. Affected: yes.
Comment: This variant is considered likely benign or benign based on one or more of the following criteria: it is a conservative change, it occurs at a poorly conserved position in the protein, it is predicted to be benign by multiple in silico algorithms, and/or has population frequency not consistent with disease.

Breakthrough Genomics
Classification: Benign. Review status: criteria provided, single submitter. Criteria: ACMG Guidelines, 2015. Collection method: not provided. Allele origin: germline. Inheritance: X-linked inheritance. Affected: yes.

PreventionGenetics, part of Exact Sciences
Classification: Benign. Review status: criteria provided, single submitter. Criteria: ACMG Guidelines, 2015. Collection method: clinical testing. Allele origin: germline.

Natera, Inc.
Classification: Benign for Becker muscular dystrophy; Cardiomyopathy; Duchenne muscular dystrophy; Dystrophin deficiency. Last evaluated: 2017-08-08. Review status: no assertion criteria provided. Collection method: clinical testing. Allele origin: germline. Not counted in ClinVar's aggregate classification.

Clinical Genetics, Academic Medical Center
Classification: Benign. Review status: no assertion criteria provided. Collection method: clinical testing. Allele origin: germline. Affected: yes. Study: VKGL Data-share Consensus. Not counted in ClinVar's aggregate classification.

Diagnostic Laboratory, Department of Genetics, University Medical Center Groningen
Classification: Benign. Review status: no assertion criteria provided. Collection method: clinical testing. Allele origin: germline. Affected: yes. Study: VKGL Data-share Consensus. Not counted in ClinVar's aggregate classification.

Joint Genome Diagnostic Labs from Nijmegen and Maastricht, Radboudumc and MUMC+
Classification: Benign. Review status: no assertion criteria provided. Collection method: clinical testing. Allele origin: germline. Affected: yes. Study: VKGL Data-share Consensus. Not counted in ClinVar's aggregate classification.

NM_004006.3(DMD):c.9649+15T>C

Gene: DMD (dystrophin; minus strand). Cytogenetic location: Xp21.2.
Variant type: single nucleotide variant.
Coding change: c.9649+15T>C on transcript NM_004006.3 (MANE Select); 15 bases into the intron after coding-DNA position 9649, T replaced by C.
Molecular consequence: intron variant.
Genome position (GRCh38, 1-based): chrX:31,206,567, A>G on the plus strand (T>C on the coding strand, the complement: DMD is on the minus strand). VCF-style: chrX-31206567-A-G. GRCh37 (hg19) VCF-style: chrX-31224684-A-G.
Other names: c.9625+15T>C (NM_000109.4); c.5626+15T>C (NM_004011.4); c.5617+15T>C (NM_004012.4); c.2269+15T>C (NM_004023.3, NM_004020.4, NM_004022.3 and 2 more transcripts); c.1462+15T>C (NM_004014.3); c.445+15T>C (NM_004018.3, NM_004017.3, NM_004016.3 and 2 more transcripts); c.9637+15T>C (NM_004009.3); c.9280+15T>C (NM_004010.3).
Identifiers: ClinVar variation 94854 (VCV000094854.48), dbSNP rs2293668, ClinGen allele CA285627.